The following is an entry in ClinVar:

NM_006892.4(DNMT3B):c.102G>A (p.Ser34=)

Gene: DNMT3B (DNA methyltransferase 3 beta; plus strand). Cytogenetic location: 20q11.21.
Variant type: single nucleotide variant.
Coding change: c.102G>A on transcript NM_006892.4 (MANE Select); coding-DNA position 102, G replaced by A.
Protein change: p.Ser34=; no amino-acid change (serine 34 retained).
Molecular consequence: synonymous variant.
Genome position (GRCh38, 1-based): chr20:32,780,425, G>A. VCF-style: chr20-32780425-G-A. GRCh37 (hg19) VCF-style: chr20-31368231-G-A.
Other names: c.102G>A, p.Ser34= (NM_001207055.2, NM_001207056.2, NM_175848.2 and 1 more transcripts); c.138G>A, p.Ser46= (NM_175850.3).
Identifiers: ClinVar variation 897680 (VCV000897680.20), dbSNP rs564154904, ClinGen allele CA9810031.

ClinVar aggregate classification (germline): Conflicting classifications of pathogenicity. Review status: criteria provided, conflicting classifications (1 of 4 stars). 4 submissions from 4 submitters: Uncertain significance (1); Likely benign (3). Last evaluated 2026-02-01.

Conditions:
Immunodeficiency-centromeric instability-facial anomalies syndrome 1 (ICF1). Identifiers: Orphanet 2268, MedGen C4551557, MONDO:0009454, OMIM 242860.
Centromeric instability of chromosomes 1,9 and 16 and immunodeficiency (ICF1). Also called: Immunodeficiency-centromeric instability-facial anomalies; IMMUNE DEFICIENCY, VARIABLE, WITH CENTROMERIC INSTABILITY OF CHROMOSOMES 1, 9, AND 16; IMMUNODEFICIENCY SYNDROME, VARIABLE; CENTROMERIC INSTABILITY, IMMUNODEFICIENCY SYNDROME. Identifiers: Orphanet 2268, MedGen C0398788, MONDO:0000133.

Allele frequency attached by ClinVar (database versions not stated): ExAC 0.00002; gnomAD exomes 0.00002 and 0.00003; gnomAD 0.00003 and 0.00005; TOPMed 0.00004; 1000 Genomes Project 30x 0.00016; 1000 Genomes Project 0.00020.
gnomAD v4.1: 44 of 1,613,644 alleles (0.0027%); highest among the groups gnomAD compares: Middle Eastern, 0.3%; no homozygotes.

Submissions (4):

Labcorp Genetics (formerly Invitae), Labcorp
Classification: Likely benign for Centromeric instability of chromosomes 1,9 and 16 and immunodeficiency. Last evaluated: 2026-02-01. Review status: criteria provided, single submitter. Criteria: Invitae Variant Classification Sherloc (09022015). Collection method: clinical testing. Allele origin: germline.

CeGaT Center for Human Genetics Tuebingen
Classification: Likely benign. Last evaluated: 2025-04-01. Review status: criteria provided, single submitter. Criteria: CeGaT Center For Human Genetics Tuebingen Variant Classification Criteria Version 2. Collection method: clinical testing. Allele origin: germline. Affected: yes. Observed: 1 variant allele.
Comment: DNMT3B: BP4, BP7

Blueprint Genetics
Classification: Likely benign. Last evaluated: 2024-08-12. Review status: criteria provided, single submitter. Criteria: ACMG Guidelines, 2015. Collection method: clinical testing. Allele origin: germline.

Illumina Laboratory Services, Illumina
Classification: Uncertain significance for Immunodeficiency-centromeric instability-facial anomalies syndrome 1. Last evaluated: 2018-01-13. Review status: criteria provided, single submitter. Criteria: ICSL Variant Classification Criteria 13 December 2019. Collection method: clinical testing. Allele origin: germline.